The following is an entry in ClinVar:

NM_000142.5(FGFR3):c.749C>G (p.Pro250Arg)

Gene: FGFR3 (fibroblast growth factor receptor 3; plus strand). Cytogenetic location: 4p16.3.
Variant type: single nucleotide variant.
Coding change: c.749C>G on transcript NM_000142.5 (MANE Select); coding-DNA position 749, C replaced by G.
Protein change: p.Pro250Arg; replaces proline 250 with arginine.
Molecular consequence: missense variant. On other transcripts: non-coding transcript variant (1).
Genome position (GRCh38, 1-based): chr4:1,801,844, C>G. VCF-style: chr4-1801844-C-G. GRCh37 (hg19) VCF-style: chr4-1803571-C-G.
Other names: NP_000133.1:p.(Pro250Arg); c.749C>G, p.Pro250Arg (NM_001163213.2, NM_001354809.2, NM_001354810.2 and 1 more transcripts); short protein forms P250R.
Identifiers: ClinVar variation 16340 (VCV000016340.182), dbSNP rs4647924, ClinGen allele CA159700.

ClinVar aggregate classification (germline): Pathogenic/Likely pathogenic. Review status: criteria provided, multiple submitters, no conflicts (2 of 4 stars). 56 submissions from 54 submitters: Pathogenic (46); Likely pathogenic (1). 9 of the submissions do not count toward it. Last evaluated 2026-09-02.

Conditions:
Fetal anomalies with a likely genetic cause.
Germ cell tumor of testis (TGCT). Also called: Testicular germ cell tumor; GERM CELL TUMOR, SOMATIC. Identifiers: Orphanet 363504, MedGen C1336708, MONDO:0010108, OMIM 273300.
Colorectal cancer. Also called: Colorectal cancer, somatic; Malignant Colorectal Neoplasm. Identifiers: MedGen C0346629, MONDO:0005575, OMIM 114500.
Epidermal nevus. Also called: NEVUS, KERATINOCYTIC, NONEPIDERMOLYTIC; Nevus, epidermal, somatic. Identifiers: Orphanet 79414, MedGen C0334082, MONDO:0008093, OMIM 162900, HP:0010816.
Cervical cancer. Also called: Cervix cancer; Cervical cancer, somatic; Cancer of cervix. Identifiers: MedGen C4048328, MONDO:0002974, OMIM 603956, HP:0030079.
Severe achondroplasia-developmental delay-acanthosis nigricans syndrome. Also called: Severe achondroplasia with developmental delay and acanthosis nigricans; SADDAN dysplasia. Identifiers: Orphanet 85165, MedGen C2674173, MONDO:0014658, OMIM 616482.
Thanatophoric dysplasia type 1 (TD1). Also called: Thanatophoric Dysplasia Type 1 (TD Type 1); LETHAL SHORT-LIMBED PLATYSPONDYLIC DWARFISM, SAN DIEGO TYPE; PLATYSPONDYLIC LETHAL SKELETAL DYSPLASIA, SAN DIEGO TYPE. Identifiers: Orphanet 1860, Orphanet 2655, MedGen C1868678, MONDO:0008546, OMIM 187600. Disease mechanism: gain of function.
Thanatophoric dysplasia, type 2 (TD2). Also called: CLOVERLEAF SKULL WITH THANATOPHORIC DWARFISM; Thanatophoric Dysplasia Type 2 (TD Type 2); THANATOPHORIC DYSPLASIA WITH KLEEBLATTSCHAEDEL; THANATOPHORIC DYSPLASIA WITH STRAIGHT FEMURS AND CLOVERLEAF SKULL. Identifiers: Orphanet 2655, Orphanet 93274, MedGen C1300257, MONDO:0008547, OMIM 187601. Disease mechanism: gain of function.
Crouzon syndrome-acanthosis nigricans syndrome. Also called: CROUZONODERMOSKELETAL SYNDROME. Identifiers: Orphanet 93262, MedGen C2677099, MONDO:0012833, OMIM 612247.
Achondroplasia (ACH). Also called: Achondroplastic dwarfism. Identifiers: Orphanet 15, MedGen C0001080, MONDO:0007037, OMIM 100800. Disease mechanism: gain of function.
Lacrimoauriculodentodigital syndrome 2 (LADD2). Also called: LADD SYNDROME 2. Identifiers: MedGen C5774286, MONDO:0859577, OMIM 620192.
Hypochondroplasia (HCH). Identifiers: Orphanet 429, MedGen C0410529, MONDO:0007793, OMIM 146000. Disease mechanism: gain of function.
Malignant tumor of urinary bladder. Also called: Bladder cancer; Urinary bladder cancer; Urinary Bladder Neoplasms. Identifiers: MedGen C0005684, MONDO:0001187, OMIM 109800.
Muenke syndrome (MNKES). Also called: MUENKE NONSYNDROMIC CORONAL CRANIOSYNOSTOSIS. Identifiers: Orphanet 53271, MedGen C1864436, MONDO:0011274, OMIM 602849.
Camptodactyly-tall stature-scoliosis-hearing loss syndrome. Also called: CATSHL SYNDROME. Identifiers: Orphanet 85164, MedGen C1864852, MONDO:0012504, OMIM 610474.
Early-infantile developmental and epileptic encephalopathy. Identifiers: MedGen C5781758.
FGFR3-related chondrodysplasia. Identifiers: Orphanet 93420, MedGen C5681604, MONDO:0019685.
FGFR3-related disorder. Also called: FGFR3-related disorders.
Unilateral renal agenesis. Also called: Solitary kidney. Identifiers: Orphanet 93100, MedGen C0266294, MONDO:0019636, HP:0000122.
Infantile axial hypotonia. Identifiers: MedGen C3806604, HP:0009062.
Crouzon syndrome. Also called: CRANIOFACIAL DYSOSTOSIS, TYPE I; Craniofacial dysostosis; Craniofacial dysostosis type 1; Crouzon craniofacial dysostosis; Crouzon disease. Identifiers: Orphanet 207, MedGen C0010273, MeSH D003394, MONDO:0007405, OMIM 123500, HP:0004439.
Facial asymmetry. Also called: Asymmetric Face. Identifiers: MedGen C1306710, HP:0000324.
Generalized non-motor (absence) seizure. Identifiers: MedGen C4316903, HP:0002121.
Coronal craniosynostosis. Identifiers: MedGen C1856266, HP:0004440.
Seizure. Also called: Seizures. Identifiers: MedGen C0036572, HP:0001250.
Common craniosynostosis syndromes.
Inborn genetic diseases. Identifiers: MedGen C0950123, MeSH D030342.
Craniosynostosis syndrome. Also called: Craniosynostosis. Identifiers: Orphanet 1531, MedGen C0010278, MeSH D003398, MONDO:0015469, HP:0001363.
Saethre-Chotzen syndrome (SCS). Also called: ACROCEPHALY, SKULL ASYMMETRY, AND MILD SYNDACTYLY; ACS III; CHOTZEN SYNDROME. Identifiers: Orphanet 794, MedGen C0175699, MONDO:0007042, OMIM 101400.
Abnormality of the nervous system. Also called: Congenital nervous system disorder. Identifiers: MedGen C0497552, MONDO:0002320, HP:0000707.

Allele frequency attached by ClinVar (database versions not stated): TOPMed 0.00001.
gnomAD v4.1: 18 of 1,606,994 alleles (0.0011%); highest among the groups gnomAD compares: Middle Eastern, 0.017%; no homozygotes.

Submissions 1 to 5 of 56:

Randwick Genomics Laboratory, Prince of Wales Hospital Sydney, Australia, New South Wales Health Pathology
Classification: Pathogenic for Muenke syndrome. Last evaluated: 2026-09-02. Review status: criteria provided, single submitter. Criteria: ACMG Guidelines, 2015. Collection method: clinical testing. Allele origin: de novo. Inheritance: Autosomal dominant inheritance. Affected: yes. Observed: 1 variant allele.
Comment: Muenke syndrome (MIM 602849) is characterised by considerable phenotypic variability; features may include coronal synostosis (more often bilateral than unilateral); synostosis of other sutures, all sutures (pan synostosis), or no sutures; or macrocephaly. Bilateral coronal synostosis typically results in brachycephaly, although turribrachycephaly (a "tower-shaped" skull) or a cloverleaf skull can be observed. Unilateral coronal synostosis results in anterior plagiocephaly. Other craniofacial findings typically include temporal bossing, widely spaced eyes, ptosis or mild proptosis, mild midface retrusion, and highly arched palate or cleft lip and palate. Strabismus is common. Other findings can include hearing loss, developmental delay, intellectual disability, behavioural issues, intracranial anomalies, epilepsy, ocular anomalies, brachydactyly, carpal and/or tarsal bone fusions, broad thumbs and great toes, clinodactyly, and radiographic findings of short and broad middle phalanges and/or cone-shaped epiphyses [PMID 20301588]. Muenke syndrome is specifically caused by the recurrent p.(Pro250Arg) missense variant in FGFR3 (Fibroblast Growth Factor Receptor 3) which constitutes the most common syndromic form of craniosynostosis with an incidence of 1:30,000 births [PMID 26740388]. While apnoea has been rarely reported in individuals with this disorder [PMID 23044018], the associated clinical phenotype is notably variable and ranges from no detectable clinical manifestations to "isolated" craniosynostosis to more complex findings that overlap other classic craniosynostosis syndromes (for example, Crouzon, Pfeiffer, or Saethre-Chotzen syndrome) [PMID 23044018]. The de novo heterozygous FGFR3:c.749C>G is predicted to generate a missense change where the reference proline at codon 250 in exon 7 is replaced by an arginine - p.(Pro250Arg). This variant is present in 18 heterozygotes in the gnomAD (v4.1.1) population database, and is a frequently reported, well-established, pathogenic cause of Muenke syndrome [PMID 20301588]. This variant is reported in ClinVar in 43 unrelated instances as pathogenic or likely pathogenic, without conflict, in individuals with FGFR3-dependent Muenke syndrome (Variation ID: 16340). Pathogenicity summary: The de novo heterozygous FGFR3:c.749C>G p.(Pro250Arg) is a frequently reported, well established, pathogenic variant. Zygosity: 1 Single Heterozygote(s).

Kasturba Medical College, Manipal, Kasturba Medical College, Manipal, Manipal Academy of Higher Education, Manipal, India
Classification: Pathogenic for Muenke syndrome. Last evaluated: 2026-07-07. Review status: criteria provided, single submitter. Criteria: ACMG Guidelines, 2015. Collection method: research. Allele origin: maternal. Affected: yes. Observed: 1 variant allele, 1 heterozygote.
Comment: This variant is observed in heterozygous state in 18 individuals (allele frequency: 0.00001120) in gnomAD (v4.1.0) population database and absent in our in-house data of 4327 exomes. In-silico analysis tools (REVEL and CADD_phred) predict the variant to be damaging to the FGFR3 protein function.

Genomenon, Inc
Classification: Pathogenic for FGFR3-related chondrodysplasia. Last evaluated: 2026-06-23. Review status: criteria provided, single submitter. Criteria: Genomenon Sequence Variant Interpretation Standards - Updated. Collection method: curation. Allele origin: germline. Affected: yes.
Comment: FGFR3 p.Pro250Arg (c.749C>G) is a missense variant that changes the amino acid at codon 250 from Proline to Arginine. This variant has been observed in multiple probands affected with an FGFR3-related disorder (PMID:26740388;9042914). The variant was found to segregate with disease multiple families and has been observed as de novo in multiple affected individuals (PMID:26740388;9042914). Functional studies have been reported (PMID:19086028;22016144;14613973;18818193). This variant is located in a mutational hotspot and/or important functional domain. It is absent or not present at a significant frequency in gnomAD. In silico models predict that this variant is possibly or probably damaging. In conclusion, we classify FGFR3 p.Pro250Arg (c.749C>G) as a pathogenic variant.

Genetics Laboratory, Great Ormond Street Hospital NHS Foundation Trust, North Thames Genomic Laboratory Hub
Classification: Pathogenic for Common craniosynostosis syndromes. Last evaluated: 2026-06-12. Review status: criteria provided, single submitter. Criteria: ACGS Best Practice Guidelines for Variant Classification in Rare Disease 2024 v1.2. Collection method: clinical testing. Allele origin: germline. Affected: yes.
Comment: PS4_moderate, PM2_moderate, PS3_strong, PP1_strong, PM6_strong

CeGaT Center for Human Genetics Tuebingen
Classification: Pathogenic. Last evaluated: 2026-06-01. Review status: criteria provided, single submitter. Criteria: CeGaT Center For Human Genetics Tuebingen Variant Classification Criteria Version 2. Collection method: clinical testing. Allele origin: germline. Affected: yes. Observed: 13 variant alleles.
Comment: FGFR3: PS2:Very Strong, PP1:Strong, PS4, PM1, PM2, PS3:Moderate, PP3